The following is an entry in ClinVar:

ClinVar aggregate classification (germline): Uncertain significance (1 of 4 stars; one submission).

Allele frequency attached by ClinVar (database versions not stated): gnomAD exomes below 0.00001.
gnomAD v4.1: 2 of 1,614,210 alleles (0.00012%); highest among the groups gnomAD compares: East Asian, 0.0022%; no homozygotes.

Submission:

GeneDx
Classification: Uncertain significance. Last evaluated: 2022-10-03. Review status: criteria provided, single submitter. Criteria: GeneDx Variant Classification Process June 2021. Collection method: clinical testing. Allele origin: germline. Affected: yes.
Comment: Not observed at significant frequency in large population cohorts (gnomAD); In silico analysis supports that this missense variant has a deleterious effect on protein structure/function; Has not been previously published as pathogenic or benign to our knowledge

NM_002860.4(ALDH18A1):c.1760A>G (p.Tyr587Cys)

Gene: ALDH18A1 (aldehyde dehydrogenase 18 family member A1; minus strand). Cytogenetic location: 10q24.1.
Variant type: single nucleotide variant.
Coding change: c.1760A>G on transcript NM_002860.4 (MANE Select); coding-DNA position 1760, A replaced by G.
Protein change: p.Tyr587Cys; replaces tyrosine 587 with cysteine.
Molecular consequence: missense variant.
Genome position (GRCh38, 1-based): chr10:95,614,007, T>C on the plus strand (A>G on the coding strand, the complement: ALDH18A1 is on the minus strand). VCF-style: chr10-95614007-T-C. GRCh37 (hg19) VCF-style: chr10-97373764-T-C.
Other names: c.1754A>G, p.Tyr585Cys (NM_001017423.2, NM_001323415.2); c.1427A>G, p.Tyr476Cys (NM_001323412.2, NM_001323416.2); c.1760A>G, p.Tyr587Cys (NM_001323413.2, NM_001323414.2); c.1655A>G, p.Tyr552Cys (NM_001323417.2); c.1421A>G, p.Tyr474Cys (NM_001323418.2); c.1124A>G, p.Tyr375Cys (NM_001323419.2); short protein forms Y375C, Y474C, Y476C, Y552C, Y585C, Y587C.
Identifiers: ClinVar variation 2446703 (VCV002446703.1), dbSNP rs2097840349, ClinGen allele CA377700572.
Genomic context (GRCh38, chr10:95,614,007, plus strand): 5'-AAGACCCCATCCAGCTCACCTAGCCTGGTGACCTTATCAACACTGGCCTCGGAATCCACA[T>C]ACATGTGACAGATCCCTTCGCTGTGCCCCATCACTGGAATCCCCTTAGCAGCTTTCTGGA-3'
Protein context (NP_002851.2, residues 577-597): MGHSEGICHM[Tyr587Cys]VDSEASVDKV